The following is an entry in ClinVar:

NM_001018005.2(TPM1):c.241-10C>T

Gene: TPM1 (tropomyosin 1; plus strand). Cytogenetic location: 15q22.2.
Variant type: single nucleotide variant.
Coding change: c.241-10C>T on transcript NM_001018005.2 (MANE Select); 10 bases into the intron before coding-DNA position 241, C replaced by T.
Molecular consequence: intron variant.
Genome position (GRCh38, 1-based): chr15:63,056,975, C>T. VCF-style: chr15-63056975-C-T. GRCh37 (hg19) VCF-style: chr15-63349174-C-T.
Other names: c.367-10C>T (NM_001365778.1); c.241-10C>T (NM_001018020.2, NM_001018007.2, NM_001018006.2 and 6 more transcripts); c.133-10C>T (NM_001330351.2, NM_001330344.2, NM_001018008.2 and 5 more transcripts).
Identifiers: ClinVar variation 525116 (VCV000525116.9), dbSNP rs917063084, ClinGen allele CA272031578.

ClinVar aggregate classification (germline): Likely benign. Review status: criteria provided, multiple submitters, no conflicts (2 of 4 stars). 2 submissions from 2 submitters: Likely benign (2). Last evaluated 2025-09-16.

Conditions:
Hypertrophic cardiomyopathy. Also called: HYPERTROPHIC MYOCARDIOPATHY. Identifiers: Orphanet 217569, MedGen C0007194, MeSH D002312, MONDO:0005045, HP:0001639.

Allele frequency attached by ClinVar (database versions not stated): gnomAD exomes 0.00001.
gnomAD v4.1: 14 of 1,614,172 alleles (0.00087%); highest among the groups gnomAD compares: Non-Finnish European, 0.0012%; no homozygotes.

Submissions (2):

Labcorp Genetics (formerly Invitae), Labcorp
Classification: Likely benign for Hypertrophic cardiomyopathy. Last evaluated: 2025-09-16. Review status: criteria provided, single submitter. Criteria: Invitae Variant Classification Sherloc (09022015). Collection method: clinical testing. Allele origin: germline.

All of Us Research Program, National Institutes of Health
Classification: Likely benign for Hypertrophic cardiomyopathy. Last evaluated: 2023-06-26. Review status: criteria provided, single submitter. Criteria: ACMG Guidelines, 2015. Collection method: clinical testing. Allele origin: germline. Inheritance: Autosomal dominant inheritance. Observed: 1 variant allele, 1 heterozygote.
Comment: This study involves interpretation of variants in research participants for the purpose of population health screening. Participant phenotype was not available at the time of variant classification. Additional details can be found in publication PMID: 35346344, PMCID: PMC8962531